The following is an entry in ClinVar:

ClinVar aggregate classification (germline): Pathogenic. Review status: criteria provided, multiple submitters, no conflicts (2 of 4 stars). 3 submissions from 3 submitters: Pathogenic (3). Last evaluated 2025-11-11.

Conditions:
Pachyonychia congenita 1 (PC1). Also called: KRT16-Related Pachyonychia Congenita; PACHYONYCHIA CONGENITA, LATE ONSET; KRT6A-Related Pachyonychia Congenita; Jadassohn Lewandowsky syndrome. Identifiers: Orphanet 2309, MedGen C1706595, MONDO:0008173, OMIM 167200.
Palmoplantar keratoderma, nonepidermolytic, focal 1 (FNEPPK1). Identifiers: MedGen C4552049, MONDO:0013073, OMIM 613000.

Submissions (3):

Labcorp Genetics (formerly Invitae), Labcorp
Classification: Pathogenic. Last evaluated: 2025-11-11. Review status: criteria provided, single submitter. Criteria: Invitae Variant Classification Sherloc (09022015). Collection method: clinical testing. Allele origin: germline.
Comment: This sequence change replaces arginine, which is basic and polar, with glycine, which is neutral and non-polar, at codon 127 of the KRT16 protein (p.Arg127Gly). This variant is not present in population databases (gnomAD no frequency). This missense change has been observed in individuals with pachyonychia congenita (PMID: 24611874; internal data). ClinVar contains an entry for this variant (Variation ID: 265217). Invitae Evidence Modeling of protein sequence and biophysical properties (such as structural, functional, and spatial information, amino acid conservation, physicochemical variation, residue mobility, and thermodynamic stability) indicates that this missense variant is expected to disrupt KRT16 protein function with a positive predictive value of 80%. This variant disrupts the p.Arg127 amino acid residue in KRT16. Other variant(s) that disrupt this residue have been determined to be pathogenic (PMID: 8595410, 31823354). This suggests that this residue is clinically significant, and that variants that disrupt this residue are likely to be disease-causing. For these reasons, this variant has been classified as Pathogenic.

Fulgent Genetics
Classification: Pathogenic for Pachyonychia congenita 1; Palmoplantar keratoderma, nonepidermolytic, focal 1. Last evaluated: 2022-04-25. Review status: criteria provided, single submitter. Criteria: ACMG Guidelines, 2015. Collection method: clinical testing. Allele origin: unknown.

GeneDx
Classification: Pathogenic. Last evaluated: 2015-05-11. Review status: criteria provided, single submitter. Criteria: GeneDx Variant Classification (06012015). Collection method: clinical testing. Allele origin: germline. Affected: yes.
Comment: The R127G variant has been reported in association with pachyonychia congenita (Wilson et al., 2014; Cao et al., 2015). The R127G variant is a non-conservative amino acid change and located in a highly conserved region coding for the helix initiation motif of keratin 16, a known hotspot. According to the Human Gene Mutation Database (HGMD), many other variants at this residue (R127C, R127S, R127P, R127H) have been reported in association with KRT16-related disorders (Stenson et al., 2014). Moreover, R127G was not observed in approximately 6,500 individuals of European and African American ancestry in the NHLBI Exome Sequencing Project, indicating it is not a common benign variant in these populations.

Literature cited by the submitters: PubMed 24611874 (cited by Labcorp Genetics (formerly Invitae), Labcorp); PubMed 8595410 (cited by Labcorp Genetics (formerly Invitae), Labcorp); PubMed 31823354 (cited by Labcorp Genetics (formerly Invitae), Labcorp).

NM_005557.4(KRT16):c.379C>G (p.Arg127Gly)

Gene: KRT16 (keratin 16; minus strand). Cytogenetic location: 17q21.2.
Variant type: single nucleotide variant.
Coding change: c.379C>G on transcript NM_005557.4 (MANE Select); coding-DNA position 379, C replaced by G.
Protein change: p.Arg127Gly; replaces arginine 127 with glycine.
Molecular consequence: missense variant.
Genome position (GRCh38, 1-based): chr17:41,612,310, G>C on the plus strand (C>G on the coding strand, the complement: KRT16 is on the minus strand). VCF-style: chr17-41612310-G-C. GRCh37 (hg19) VCF-style: chr17-39768562-G-C.
Other names: short protein forms R127G.
Identifiers: ClinVar variation 265217 (VCV000265217.7), dbSNP rs59856285, ClinGen allele CA10588649.
Genomic context (GRCh38, chr17:41,612,310, plus strand): 5'-CTTCCAGGTCGGCGTTGGCCTCCTCCAGAGCACGCACCTTGTCCAGGTAGGAGGCCAGGC[G>C]GTCATTGAGGTTCTGCATGGTCACCTTCTCACTGCCCACCAGAAGCCCATCACCACCAGC-3'
Protein context (NP_005548.2, residues 117-137): EKVTMQNLND[Arg127Gly]LASYLDKVRA